The following is an entry in ClinVar:

NM_006979.3(SLC39A7):c.982_983delinsTT (p.Ala328Leu)

Gene: SLC39A7 (solute carrier family 39 member 7; plus strand). Cytogenetic location: 6p21.32.
Variant type: Indel.
Coding change: c.982_983delinsTT on transcript NM_006979.3 (MANE Select); coding-DNA positions 982 to 983, GC replaced by TT.
Protein change: p.Ala328Leu; replaces alanine 328 with leucine.
Molecular consequence: missense variant.
Genome position (GRCh38, 1-based): chr6:33,202,951-33,202,952, GC replaced by TT. VCF-style: chr6-33202951-GC-TT. GRCh37 (hg19) VCF-style: chr6-33170728-GC-TT.
Other names: c.982_983delinsTT, p.Ala328Leu (NM_001077516.2); c.607_608delinsTT, p.Ala203Leu (NM_001288777.2); short protein forms A203L, A328L.
Identifiers: ClinVar variation 1413905 (VCV001413905.4), dbSNP rs2150686551, ClinGen allele CA2573140212.

ClinVar aggregate classification (germline): Uncertain significance (1 of 4 stars; one submission).

Submission:

Labcorp Genetics (formerly Invitae), Labcorp
Classification: Uncertain significance. Last evaluated: 2023-07-21. Review status: criteria provided, single submitter. Criteria: Invitae Variant Classification Sherloc (09022015). Collection method: clinical testing. Allele origin: germline.
Comment: In summary, the available evidence is currently insufficient to determine the role of this variant in disease. Therefore, it has been classified as a Variant of Uncertain Significance. An algorithm developed to predict the effect of missense changes on protein structure and function (PolyPhen-2) suggests that this variant¬†is likely to be tolerated. ClinVar contains an entry for this variant (Variation ID: 1413905). This variant has not been reported in the literature in individuals affected with SLC39A7-related conditions. This variant is present in population databases (no rsID available, gnomAD 0.006%). This sequence change replaces alanine, which is neutral and non-polar, with leucine, which is neutral and non-polar, at codon 328 of the SLC39A7 protein (p.Ala328Leu).